The following is an entry in ClinVar:

NM_000088.4(COL1A1):c.3965G>C (p.Arg1322Thr)

Gene: COL1A1 (collagen type I alpha 1 chain; minus strand). Cytogenetic location: 17q21.33.
Variant type: single nucleotide variant.
Coding change: c.3965G>C on transcript NM_000088.4 (MANE Select); coding-DNA position 3965, G replaced by C.
Protein change: p.Arg1322Thr; replaces arginine 1322 with threonine.
Molecular consequence: missense variant.
Genome position (GRCh38, 1-based): chr17:50,186,357, C>G on the plus strand (G>C on the coding strand, the complement: COL1A1 is on the minus strand). VCF-style: chr17-50186357-C-G. GRCh37 (hg19) VCF-style: chr17-48263718-C-G.
Other names: short protein forms R1322T.
Identifiers: ClinVar variation 1394097 (VCV001394097.6), dbSNP rs138544681, ClinGen allele CA400193218.

ClinVar aggregate classification (germline): Uncertain significance (1 of 4 stars; one submission).

Conditions:
Osteogenesis imperfecta type I (OI1). Also called: OI, TYPE I; OSTEOGENESIS IMPERFECTA TARDA; OSTEOGENESIS IMPERFECTA WITH BLUE SCLERAE; Osteogenesis imperfecta type 1; Lobstein disease; Classic Non-deforming Osteogenesis Imperfecta with Blue Sclerae. Identifiers: Orphanet 216796, Orphanet 666, MedGen C0023931, MONDO:0008146, OMIM 166200. Disease mechanism: loss of function.

gnomAD v4.1: 1 of 1,614,266 alleles (0.000062%); highest among the groups gnomAD compares: Non-Finnish European, 0.000085%; no homozygotes.

Submission:

Labcorp Genetics (formerly Invitae), Labcorp
Classification: Uncertain significance for Osteogenesis imperfecta type I. Last evaluated: 2023-10-13. Review status: criteria provided, single submitter. Criteria: Invitae Variant Classification Sherloc (09022015). Collection method: clinical testing. Allele origin: germline.
Comment: This sequence change replaces arginine, which is basic and polar, with threonine, which is neutral and polar, at codon 1322 of the COL1A1 protein (p.Arg1322Thr). This variant is not present in population databases (gnomAD no frequency). This variant has not been reported in the literature in individuals affected with COL1A1-related conditions. ClinVar contains an entry for this variant (Variation ID: 1394097). Advanced modeling of protein sequence and biophysical properties (such as structural, functional, and spatial information, amino acid conservation, physicochemical variation, residue mobility, and thermodynamic stability) performed at Invitae indicates that this missense variant is not expected to disrupt COL1A1 protein function. In summary, the available evidence is currently insufficient to determine the role of this variant in disease. Therefore, it has been classified as a Variant of Uncertain Significance.